The following is an entry in ClinVar:

ClinVar aggregate classification (germline): Uncertain significance (1 of 4 stars; one submission).

Conditions:
Hereditary cancer-predisposing syndrome. Also called: Neoplastic Syndromes, Hereditary; Tumor predisposition; Hereditary neoplastic syndrome; Hereditary Cancer Syndrome. Identifiers: Orphanet 140162, MedGen C0027672, MeSH D009386, MONDO:0015356.

Submission:

Ambry Genetics
Classification: Uncertain significance for Hereditary cancer-predisposing syndrome. Last evaluated: 2026-08-27. Review status: criteria provided, single submitter. Criteria: Ambry Variant Classification Scheme 2023. Collection method: clinical testing. Allele origin: germline.
Comment: The p.I449V variant (also known as c.1345A>G), located in coding exon 9 of the RAD50 gene, results from an A to G substitution at nucleotide position 1345. The isoleucine at codon 449 is replaced by valine, an amino acid with highly similar properties. This amino acid position is conserved. In addition, this alteration is predicted to be tolerated by in silico analysis. Based on the available evidence, the clinical significance of this variant remains unclear.

NM_005732.4(RAD50):c.1345A>G (p.Ile449Val)

Gene: RAD50 (RAD50 double strand break repair protein; plus strand). Cytogenetic location: 5q31.1.
Variant type: single nucleotide variant.
Coding change: c.1345A>G on transcript NM_005732.4 (MANE Select); coding-DNA position 1345, A replaced by G.
Protein change: p.Ile449Val; replaces isoleucine 449 with valine.
Molecular consequence: missense variant.
Genome position (GRCh38, 1-based): chr5:132,589,730, A>G. VCF-style: chr5-132589730-A-G. GRCh37 (hg19) VCF-style: chr5-131925422-A-G.
Other names: short protein forms I449V.
Identifiers: ClinVar variation 5027738 (VCV005027738.1).